The following is an entry in ClinVar:

NM_001370259.2(MEN1):c.386del (p.Leu129fs)

Gene: MEN1 (menin 1; minus strand). Cytogenetic location: 11q13.1.
Variant type: Deletion.
Coding change: c.386del on transcript NM_001370259.2 (MANE Select); coding-DNA position 386, one base deleted (T; older notation c.386delT).
Protein change: p.Leu129fs; shifts the reading frame from leucine 129.
Molecular consequence: frameshift variant.
Genome position (GRCh38, 1-based): chr11:64,809,724, A deleted on the plus strand (T on the coding strand, the reverse complement: MEN1 is on the minus strand). VCF-style (leftmost placement, unchanged base first): chr11-64809723-GA-G. GRCh37 (hg19) VCF-style: chr11-64577195-GA-G.
Other names: c.386del, p.Leu129fs (NM_000244.4, NM_001370251.2, NM_001370260.2 and 9 more transcripts); c.386delT (NM_130799.2); short protein forms L129fs.
Identifiers: ClinVar variation 583070 (VCV000583070.11), dbSNP rs1565651223, ClinGen allele CA891843131.

ClinVar aggregate classification (germline): Pathogenic. Review status: criteria provided, multiple submitters, no conflicts (2 of 4 stars). 2 submissions from 2 submitters: Pathogenic (2). Last evaluated 2025-05-11.

Conditions:
Hereditary cancer-predisposing syndrome. Also called: Neoplastic Syndromes, Hereditary; Hereditary Cancer Syndrome; Tumor predisposition; Hereditary neoplastic syndrome. Identifiers: Orphanet 140162, MedGen C0027672, MeSH D009386, MONDO:0015356.
Multiple endocrine neoplasia, type 1 (MEN1). Also called: MEN I; WERMER SYNDROME; Endocrine adenomatosis multiple; MEN 1; MEA I. Identifiers: Orphanet 652, MedGen C0025267, MeSH D018761, MONDO:0007540, OMIM 131100.

Submissions (2):

Labcorp Genetics (formerly Invitae), Labcorp
Classification: Pathogenic for Multiple endocrine neoplasia, type 1. Last evaluated: 2025-05-11. Review status: criteria provided, single submitter. Criteria: Invitae Variant Classification Sherloc (09022015). Collection method: clinical testing. Allele origin: germline.
Comment: This sequence change creates a premature translational stop signal (p.Leu129Profs*56) in the MEN1 gene. It is expected to result in an absent or disrupted protein product. Loss-of-function variants in MEN1 are known to be pathogenic (PMID: 12112656, 17853334). This variant is not present in population databases (gnomAD no frequency). This variant has not been reported in the literature in individuals affected with MEN1-related conditions. ClinVar contains an entry for this variant (Variation ID: 583070). For these reasons, this variant has been classified as Pathogenic.

Ambry Genetics
Classification: Pathogenic for Hereditary cancer-predisposing syndrome. Last evaluated: 2025-01-14. Review status: criteria provided, single submitter. Criteria: Ambry Variant Classification Scheme 2023. Collection method: clinical testing. Allele origin: germline.
Comment: The c.386delT pathogenic mutation, located in coding exon 1 of the MEN1 gene, results from a deletion of one nucleotide at nucleotide position 386, causing a translational frameshift with a predicted alternate stop codon (p.L129Pfs*56). This variant is considered to be rare based on population cohorts in the Genome Aggregation Database (gnomAD). This alteration is expected to result in loss of function by premature protein truncation or nonsense-mediated mRNA decay. As such, this alteration is interpreted as a disease-causing mutation.

Literature cited by the submitters: PubMed 12112656 (cited by Labcorp Genetics (formerly Invitae), Labcorp); PubMed 17853334 (cited by Labcorp Genetics (formerly Invitae), Labcorp).